The following is an entry in ClinVar:

NM_003183.6(ADAM17):c.2083-60A>G

Genes: ADAM17 (ADAM metallopeptidase domain 17; minus strand), IAH1 (isoamyl acetate hydrolyzing esterase 1 (putative); plus strand). Cytogenetic location: 2p25.1.
Variant type: single nucleotide variant.
Coding change: c.2083-60A>G on transcript NM_003183.6 (MANE Select); 60 bases into the intron before coding-DNA position 2083, A replaced by G.
Molecular consequence: intron variant.
Genome position (GRCh38, 1-based): chr2:9,491,211, T>C on the plus strand (A>G on the coding strand, the complement: ADAM17 is on the minus strand). VCF-style: chr2-9491211-T-C. GRCh37 (hg19) VCF-style: chr2-9631340-T-C.
Other names: c.1423-60A>G (NM_001382777.1); c.1186-60A>G (NM_001382778.1).
Identifiers: ClinVar variation 1188897 (VCV001188897.7), dbSNP rs10495562, ClinGen allele CA15169589.

ClinVar aggregate classification (germline): Benign. Review status: criteria provided, multiple submitters, no conflicts (2 of 4 stars). 4 submissions from 4 submitters: Benign (4). Last evaluated 2023-11-12.

Conditions:
Inflammatory skin and bowel disease, neonatal, 1. Identifiers: Orphanet 294023, MedGen C3280501, MONDO:0013693, OMIM 614328.

Allele frequency attached by ClinVar (database versions not stated): 1000 Genomes Project 0.29453; 1000 Genomes Project 30x 0.29638; TOPMed 0.40326; gnomAD 0.41338 and 0.42096; ESP Exome Variant Server 0.46189; gnomAD exomes 0.47417.
gnomAD v4.1: 692,308 of 1,479,208 alleles (47%); highest among the groups gnomAD compares: Middle Eastern, 61%; 171,241 homozygotes.

Submissions (4):

Unidad de Genómica Garrahan, Hospital de Pediatría Garrahan
Classification: Benign. Last evaluated: 2023-11-12. Review status: criteria provided, single submitter. Criteria: ACMG Guidelines, 2015. Collection method: clinical testing. Allele origin: germline. Affected: no. Observed: 52 variant alleles.
Comment: This variant is classified as Benign based on local population frequency. This variant was detected in 54% of patients studied by a panel of primary immunodeficiencies. Number of patients: 52. Only high quality variants are reported.

Genome-Nilou Lab
Classification: Benign for Inflammatory skin and bowel disease, neonatal, 1. Last evaluated: 2021-07-14. Review status: criteria provided, single submitter. Criteria: ACMG Guidelines, 2015. Collection method: clinical testing. Allele origin: germline. Affected: no.

GeneDx
Classification: Benign. Last evaluated: 2018-11-10. Review status: criteria provided, single submitter. Criteria: GeneDx Variant Classification Process June 2021. Collection method: clinical testing. Allele origin: germline. Affected: yes.

Breakthrough Genomics
Classification: Benign. Review status: criteria provided, single submitter. Criteria: ACMG Guidelines, 2015. Collection method: not provided. Allele origin: germline. Inheritance: Autosomal recessive inheritance. Affected: yes.